The following is an entry in ClinVar:

NC_000017.11:g.(?_43067588)_(43074541_?)del

Gene: BRCA1 (BRCA1 DNA repair associated; minus strand). Cytogenetic location: 17q21.31.
Variant type: Deletion.
Identifiers: ClinVar variation 833281 (VCV000833281.3).

ClinVar aggregate classification (germline): Pathogenic (1 of 4 stars; one submission).

Conditions:
Hereditary breast ovarian cancer syndrome. Also called: Hereditary breast and/or ovarian cancer syndrome; Hereditary breast and ovarian cancer syndrome (HBOC); Breast and ovarian cancer; Hereditary breast and ovarian cancer; BRCA1- and BRCA2-Associated Hereditary Breast and Ovarian Cancer; Hereditary breast and ovarian cancer syndrome. Identifiers: Orphanet 145, MedGen C0677776, MeSH D061325, MONDO:0003582. Disease mechanism: loss of function.

Submission:

Labcorp Genetics (formerly Invitae), Labcorp
Classification: Pathogenic for Hereditary breast ovarian cancer syndrome. Last evaluated: 2023-11-18. Review status: criteria provided, single submitter. Criteria: Invitae Variant Classification Sherloc (09022015). Collection method: clinical testing. Allele origin: germline.
Comment: This variant is a gross deletion of the genomic region encompassing exon(s) 14-16 of the BRCA1 gene. This deletion is out-of-frame, and is expected to create a premature termination codon and result in an absent or disrupted protein product. Loss-of-function variants in BRCA1 are known to be pathogenic (PMID: 20104584). A similar copy number variant has been observed in individual(s) with breast and/or ovarian cancer, and fallopian tube cancer (PMID: 26681312, 29907814). For these reasons, this variant has been classified as Pathogenic.

Literature cited by the submitters: PubMed 20104584; PubMed 26681312; PubMed 29907814.